The following is an entry in ClinVar:

NM_014795.4(ZEB2):c.3160C>G (p.Pro1054Ala)

Gene: ZEB2 (zinc finger E-box binding homeobox 2; minus strand). Cytogenetic location: 2q22.3.
Variant type: single nucleotide variant.
Coding change: c.3160C>G on transcript NM_014795.4 (MANE Select); coding-DNA position 3160, C replaced by G.
Protein change: p.Pro1054Ala; replaces proline 1054 with alanine.
Molecular consequence: missense variant.
Genome position (GRCh38, 1-based): chr2:144,389,936, G>C on the plus strand (C>G on the coding strand, the complement: ZEB2 is on the minus strand). VCF-style: chr2-144389936-G-C. GRCh37 (hg19) VCF-style: chr2-145147503-G-C.
Other names: c.3088C>G, p.Pro1030Ala (NM_001171653.2); short protein forms P1030A, P1054A.
Identifiers: ClinVar variation 1802538 (VCV001802538.4), dbSNP rs2549101933, ClinGen allele CA348700795.
Genomic context (GRCh38, chr2:144,389,936, plus strand): 5'-TGTGCTGCGAGTACGAGCCCGAGTGTGAGAAGCGCTTGCCACATTTATCACACTGATAGG[G>C]CTTCTCGCCCGAGTGAAGCCTTGAGTGCTCGATAAGGTGGTGCTTGTGTTTAAACGCTTT-3'
Protein context (NP_055610.1, residues 1044-1064): EHSRLHSGEK[Pro1054Ala]YQCDKCGKRF

ClinVar aggregate classification (germline): Likely pathogenic. Review status: criteria provided, multiple submitters, no conflicts (2 of 4 stars). 3 submissions from 3 submitters: Likely pathogenic (3). Last evaluated 2024-09-19.

Conditions:
Mowat-Wilson syndrome (MOWS). Also called: Classic Mowat-Wilson Syndrome. Identifiers: Orphanet 2152, MedGen C1856113, MONDO:0009341, OMIM 235730.
ZEB2-related disorder. Also called: ZEB2-related condition.

Submissions (3):

Blueprint Genetics
Classification: Likely pathogenic for ZEB2-related disorders. Last evaluated: 2024-09-19. Review status: criteria provided, single submitter. Criteria: ACMG Guidelines, 2015. Collection method: clinical testing. Allele origin: germline. Affected: yes. Observed: 1 variant allele.

Medical Genetics Unit, Azienda USL-IRCCS di Reggio Emilia
Classification: Likely pathogenic for Mowat-Wilson syndrome. Last evaluated: 2023-10-20. Review status: criteria provided, single submitter. Criteria: ACMG Guidelines, 2015. Collection method: clinical testing. Allele origin: de novo. Affected: yes. Observed: 1 variant allele.
Comment: Heterozygous missense variant associated with Mowat-Wilson syndrome in at least 1 individual. ACMG/AMP criteria PS2, PM1, PM2, PP4

Laboratory of Medical Genetics, University of Torino
Classification: Likely pathogenic for Mowat-Wilson syndrome. Last evaluated: 2022-11-29. Review status: criteria provided, single submitter. Criteria: ACMG Guidelines, 2015. Collection method: research. Allele origin: germline. Affected: yes. Study: NeuroWES.